The following is an entry in ClinVar:

ClinVar aggregate classification (germline): Pathogenic (1 of 4 stars; one submission).

Submission:

GeneDx
Classification: Pathogenic. Last evaluated: 2014-09-17. Review status: criteria provided, single submitter. Criteria: GeneDx Variant Classification (06012015). Collection method: clinical testing. Allele origin: germline. Affected: yes.
Comment: The c.282+2 T>G splice site mutation in the CDKL5 gene destroys the canonical splice donor site in intron 5. It is predicted to cause abnormal gene splicing, either leading to an abnormal message that is subject to nonsense-mediated mRNA decay, or to an abnormal protein product if the message is used for protein translation. Although this mutation has not been previously reported to our knowledge, other splice site mutations have been reported in association with CDKL5-related disorders. The variant is found in INFANT-EPI panel(s).

NM_001323289.2(CDKL5):c.282+2T>G

Gene: CDKL5 (cyclin dependent kinase like 5; plus strand). Cytogenetic location: Xp22.13.
Variant type: single nucleotide variant.
Coding change: c.282+2T>G on transcript NM_001323289.2 (MANE Select); the canonical splice donor site of the intron after coding-DNA position 282, T replaced by G.
Molecular consequence: splice donor variant.
Genome position (GRCh38, 1-based): chrX:18,575,492, T>G. VCF-style: chrX-18575492-T-G. GRCh37 (hg19) VCF-style: chrX-18593612-T-G.
Other names: c.282+2T>G (NM_003159.3, NM_001037343.2).
Identifiers: ClinVar variation 156594 (VCV000156594.2), dbSNP rs587783075, ClinGen allele CA294588.
Genomic context (GRCh38, chrX:18,575,492, plus strand): 5'-TGAAGGAAGCATTTCGTCGGAGGGGAAAGTTGTACTTGGTGTTTGAGTATGTTGAAAAAG[T>G]AAGTCATTAATTGCCAATGTGCACATTTGCCCGATTCTTTTATTTAAGGCTGTTTCTGAC-3'